The following is an entry in ClinVar:

ClinVar aggregate classification (germline): Uncertain significance. Review status: criteria provided, multiple submitters, no conflicts (2 of 4 stars). 4 submissions from 4 submitters: Uncertain significance (4). Last evaluated 2026-03-18.

Conditions:
Catecholaminergic polymorphic ventricular tachycardia 1. Also called: VENTRICULAR TACHYCARDIA, STRESS-INDUCED POLYMORPHIC 1; RYR2-Related Catecholaminergic Polymorphic Ventricular Tachycardia; VENTRICULAR TACHYCARDIA, CATECHOLAMINERGIC POLYMORPHIC, 1, WITH OR WITHOUT ATRIAL DYSFUNCTION AND/OR DILATED CARDIOMYOPATHY. Identifiers: Orphanet 3286, MedGen C1631597, MONDO:0011484, OMIM 604772.
Cardiomyopathy (CMYO). Also called: Cardiomyopathies. Identifiers: Orphanet 167848, MedGen C0878544, MONDO:0004994, HP:0001638. Inheritance: Various modes of inheritance.

Allele frequency attached by ClinVar (database versions not stated): TOPMed below 0.00001; gnomAD 0.00001; gnomAD exomes 0.00001.
gnomAD v4.1: 9 of 1,613,748 alleles (0.00056%); highest among the groups gnomAD compares: Non-Finnish European, 0.00076%; no homozygotes.

Submissions (4):

GeneDx
Classification: Uncertain significance. Last evaluated: 2026-03-18. Review status: criteria provided, single submitter. Criteria: GeneDx Variant Classification Process June 2021. Collection method: clinical testing. Allele origin: germline.
Comment: Not observed at significant frequency in large population cohorts (gnomAD); In silico analysis supports that this missense variant has a deleterious effect on protein structure/function; Has not been previously published as pathogenic or benign to our knowledge; Located in one of the three hot-spot regions of the RYR2 gene, where the majority of pathogenic missense variants occur (PMID: 19926015); This variant is associated with the following publications: (PMID: 19926015)

Color Diagnostics, LLC DBA Color Health
Classification: Uncertain significance for Cardiomyopathy. Last evaluated: 2024-03-06. Review status: criteria provided, single submitter. Criteria: ACMG Guidelines, 2015. Collection method: clinical testing. Allele origin: germline.
Comment: This missense variant replaces methionine with threonine at codon 2347 of the RYR2 protein. Computational prediction suggests that this variant may have deleterious impact on protein structure and function (internally defined REVEL score threshold >= 0.7, PMID: 27666373). To our knowledge, functional studies have not been reported for this variant. This variant has not been reported in individuals affected with cardiovascular disorders in the literature. This variant has been identified in 1/31374 chromosomes in the general population by the Genome Aggregation Database (gnomAD). The available evidence is insufficient to determine the role of this variant in disease conclusively. Therefore, this variant is classified as a Variant of Uncertain Significance.

Women's Health and Genetics/Laboratory Corporation of America, LabCorp
Classification: Uncertain significance. Last evaluated: 2022-04-18. Review status: criteria provided, single submitter. Criteria: LabCorp Variant Classification Summary - May 2015. Collection method: clinical testing. Allele origin: germline.
Comment: Variant summary: RYR2 c.7040T>C (p.Met2347Thr) results in a non-conservative amino acid change in the encoded protein sequence. Five of five in-silico tools predict a damaging effect of the variant on protein function. The variant was absent in 248994 control chromosomes. The available data on variant occurrences in the general population are insufficient to allow any conclusion about variant significance. To our knowledge, no occurrence of c.7040T>C in individuals affected with Catecholaminergic Polymorphic Ventricular Tachycardia and no experimental evidence demonstrating its impact on protein function have been reported. Two clinical diagnostic laboratories have submitted clinical-significance assessments for this variant to ClinVar after 2014 without evidence for independent evaluation. All laboratories classified the variant as uncertain significance. Based on the evidence outlined above, the variant was classified as uncertain significance.

Labcorp Genetics (formerly Invitae), Labcorp
Classification: Uncertain significance for Catecholaminergic polymorphic ventricular tachycardia 1. Last evaluated: 2021-02-22. Review status: criteria provided, single submitter. Criteria: Invitae Variant Classification Sherloc (09022015). Collection method: clinical testing. Allele origin: germline.
Comment: This variant is not present in population databases (ExAC no frequency). This sequence change replaces methionine with threonine at codon 2347 of the RYR2 protein (p.Met2347Thr). The methionine residue is highly conserved and there is a moderate physicochemical difference between methionine and threonine. This variant has not been reported in the literature in individuals with RYR2-related conditions. In summary, the available evidence is currently insufficient to determine the role of this variant in disease. Therefore, it has been classified as a Variant of Uncertain Significance. Advanced modeling of protein sequence and biophysical properties (such as structural, functional, and spatial information, amino acid conservation, physicochemical variation, residue mobility, and thermodynamic stability) performed at Invitae indicates that this missense variant is expected to disrupt RYR2 protein function.

NM_001035.3(RYR2):c.7040T>C (p.Met2347Thr)

Gene: RYR2 (ryanodine receptor 2; plus strand). Cytogenetic location: 1q43.
Variant type: single nucleotide variant.
Coding change: c.7040T>C on transcript NM_001035.3 (MANE Select); coding-DNA position 7040, T replaced by C.
Protein change: p.Met2347Thr; replaces methionine 2347 with threonine.
Molecular consequence: missense variant.
Genome position (GRCh38, 1-based): chr1:237,639,126, T>C. VCF-style: chr1-237639126-T-C. GRCh37 (hg19) VCF-style: chr1-237802426-T-C.
Other names: c.7040T>C (NM_001035.2); short protein forms M2347T.
Identifiers: ClinVar variation 1172260 (VCV001172260.15), dbSNP rs1177415020, ClinGen allele CA345395955.